The following is an entry in ClinVar:

NM_000213.5(ITGB4):c.1032A>G (p.Ser344=)

Gene: ITGB4 (integrin subunit beta 4; plus strand). Cytogenetic location: 17q25.1.
Variant type: single nucleotide variant.
Coding change: c.1032A>G on transcript NM_000213.5 (MANE Select); coding-DNA position 1032, A replaced by G.
Protein change: p.Ser344=; no amino-acid change (serine 344 retained).
Molecular consequence: synonymous variant.
Genome position (GRCh38, 1-based): chr17:75,730,904, A>G. VCF-style: chr17-75730904-A-G. GRCh37 (hg19) VCF-style: chr17-73726985-A-G.
Other names: c.1032A>G, p.Ser344= (NM_001005619.2, NM_001005731.3, NM_001321123.2).
Identifiers: ClinVar variation 325128 (VCV000325128.14), dbSNP rs145591069, ClinGen allele CA8768853.
Genomic context (GRCh38, chr17:75,730,904, plus strand): 5'-TTAGCCTGAGACCTGGCCTTCTCTCCCGCAGAAGCTTCACACCTATTTCCCTGTCTCCTC[A>G]CTGGGGGTGCTGCAGGAGGACTCGTCCAACATCGTGGAGCTGCTGGAGGAGGCCTTCAAT-3'
Protein context (NP_000204.3, residues 334-354): EKLHTYFPVS[Ser344=]LGVLQEDSSN

ClinVar aggregate classification (germline): Conflicting classifications of pathogenicity. Review status: criteria provided, conflicting classifications (1 of 4 stars). 3 submissions from 3 submitters: Uncertain significance (1); Likely benign (1). 1 of the submissions does not count toward it. Last evaluated 2025-09-17.

Conditions:
ITGB4-related disorder. Also called: ITGB4-related condition.
Junctional epidermolysis bullosa with pyloric atresia. Also called: ITGB4-Related Epidermolysis Bullosa with Pyloric Atresia; ITGA6-Related Epidermolysis Bullosa with Pyloric Atresia; EPIDERMOLYSIS BULLOSA, JUNCTIONAL 5B, WITH PYLORIC ATRESIA; APLASIA CUTIS CONGENITA WITH GASTROINTESTINAL ATRESIA; CARMI SYNDROME; EB-PA-ACC. Identifiers: Orphanet 79403, MedGen C5676875, MONDO:0009183, OMIM 226730.

Allele frequency attached by ClinVar (database versions not stated): gnomAD exomes 0.00003 and 0.00010; ExAC 0.00015; 1000 Genomes Project 30x 0.00031; 1000 Genomes Project 0.00040; gnomAD 0.00042 and 0.00043; TOPMed 0.00049; ESP Exome Variant Server 0.00062.
gnomAD v4.1: 112 of 1,613,700 alleles (0.0069%); highest among the groups gnomAD compares: African/African-American, 0.14%; 1 homozygote.

Submissions (3):

Labcorp Genetics (formerly Invitae), Labcorp
Classification: Likely benign. Last evaluated: 2025-09-17. Review status: criteria provided, single submitter. Criteria: Invitae Variant Classification Sherloc (09022015). Collection method: clinical testing. Allele origin: germline.

Illumina Laboratory Services, Illumina
Classification: Uncertain significance for Junctional epidermolysis bullosa with pyloric atresia. Last evaluated: 2018-01-12. Review status: criteria provided, single submitter. Criteria: ICSL Variant Classification Criteria 13 December 2019. Collection method: clinical testing. Allele origin: germline.

PreventionGenetics, part of Exact Sciences
Classification: Likely benign for ITGB4-related condition. Last evaluated: 2019-06-26. Review status: no assertion criteria provided. Collection method: clinical testing. Allele origin: germline. Not counted in ClinVar's aggregate classification.
Comment: This variant is classified as likely benign based on ACMG/AMP sequence variant interpretation guidelines (Richards et al. 2015 PMID: 25741868, with internal and published modifications).